The following is an entry in ClinVar:

NM_001386140.1(MTTP):c.1344+267A>G

Gene: MTTP (microsomal triglyceride transfer protein; plus strand). Cytogenetic location: 4q23.
Variant type: single nucleotide variant.
Coding change: c.1344+267A>G on transcript NM_001386140.1 (MANE Select); 267 bases into the intron after coding-DNA position 1344, A replaced by G.
Molecular consequence: intron variant.
Genome position (GRCh38, 1-based): chr4:99,601,981, A>G. VCF-style: chr4-99601981-A-G. GRCh37 (hg19) VCF-style: chr4-100523138-A-G.
Other names: c.1344+267A>G (NM_000253.4); c.1095+267A>G (NM_001300785.2).
Identifiers: ClinVar variation 3358869 (VCV003358869.2).

ClinVar aggregate classification (germline): Uncertain significance (1 of 4 stars; one submission).

Conditions:
Abetalipoproteinaemia (ABL). Also called: Abetalipoproteinemia; Abetalipoproteinemia neuropathy; Apolipoprotein B deficiency; Congenital betalipoprotein deficiency syndrome; MTP DEFICIENCY. Identifiers: Orphanet 14, MedGen C0000744, MONDO:0008692, OMIM 200100, HP:0008181.

Submission:

Kasturba Medical College, Manipal, Kasturba Medical College, Manipal, Manipal Academy of Higher Education, Manipal, India
Classification: Uncertain significance for Abetalipoproteinaemia. Review status: criteria provided, single submitter. Criteria: ACMG Guidelines, 2015. Collection method: clinical testing. Allele origin: biparental. Inheritance: Autosomal recessive inheritance. Affected: yes. Observed: 1 homozygote.
Comment: This variant is not observed in the gnomAD population database. In silico analysis tool (SpliceAI) is predicting this variant to result in aberrant splicing of the MTTP gene. Biallelic variants in MTTP are associate with abetalipoproteinemia (MIM# 200100).